The following is an entry in ClinVar:

NM_024496.4(IRF2BPL):c.89T>C (p.Phe30Ser)

Genes: IRF2BPL (interferon regulatory factor 2 binding protein like; minus strand), LOC107984638 (uncharacterized LOC107984638; plus strand). Cytogenetic location: 14q24.3.
Variant type: single nucleotide variant.
Coding change: c.89T>C on transcript NM_024496.4 (MANE Select); coding-DNA position 89, T replaced by C.
Protein change: p.Phe30Ser; replaces phenylalanine 30 with serine.
Molecular consequence: missense variant.
Genome position (GRCh38, 1-based): chr14:77,027,704, A>G on the plus strand (T>C on the coding strand, the complement: IRF2BPL is on the minus strand). VCF-style: chr14-77027704-A-G. GRCh37 (hg19) VCF-style: chr14-77494047-A-G.
Other names: short protein forms F30S.
Identifiers: ClinVar variation 1704182 (VCV001704182.2), dbSNP rs2503080104, ClinGen allele CA390501859.
Genomic context (GRCh38, chr14:77,027,704, plus strand): 5'-ACGAATTCGATGCGATCAGCGCCCTCGTAGTTGACGCAACCGCGGCATACGGGTTCCGAG[A>G]AGTCCCAGATCATGGCCCAGGGCATGCGGGGCAGGTCGCACAGGTAGCAAGATTGTCTCC-3'
Protein context (NP_078772.1, residues 20-40): PRMPWAMIWD[Phe30Ser]SEPVCRGCVN

ClinVar aggregate classification (germline): Uncertain significance (1 of 4 stars; one submission).

Submission:

GeneDx
Classification: Uncertain significance. Last evaluated: 2022-03-02. Review status: criteria provided, single submitter. Criteria: GeneDx Variant Classification Process June 2021. Collection method: clinical testing. Allele origin: germline. Affected: yes.
Comment: Not observed at significant frequency in large population cohorts (gnomAD); In silico analysis supports that this missense variant has a deleterious effect on protein structure/function; Has not been previously published as pathogenic or benign to our knowledge